The following is an entry in ClinVar:

ClinVar aggregate classification (germline): Uncertain significance (1 of 4 stars; one submission).

Submission:

Labcorp Genetics (formerly Invitae), Labcorp
Classification: Uncertain significance. Last evaluated: 2025-10-19. Review status: criteria provided, single submitter. Criteria: Invitae Variant Classification Sherloc (09022015). Collection method: clinical testing. Allele origin: germline.
Comment: This sequence change replaces arginine, which is basic and polar, with isoleucine, which is neutral and non-polar, at codon 797 of the MYLK3 protein (p.Arg797Ile). This variant is not present in population databases (gnomAD no frequency). This variant has not been reported in the literature in individuals affected with MYLK3-related conditions. An algorithm developed to predict the effect of missense changes on protein structure and function (PolyPhen-2) suggests that this variant is likely to be disruptive. In summary, the available evidence is currently insufficient to determine the role of this variant in disease. Therefore, it has been classified as a Variant of Uncertain Significance.

NM_182493.3(MYLK3):c.2390G>T (p.Arg797Ile)

Gene: MYLK3 (myosin light chain kinase 3; minus strand). Cytogenetic location: 16q11.2.
Variant type: single nucleotide variant.
Coding change: c.2390G>T on transcript NM_182493.3 (MANE Select); coding-DNA position 2390, G replaced by T.
Protein change: p.Arg797Ile; replaces arginine 797 with isoleucine.
Molecular consequence: missense variant.
Genome position (GRCh38, 1-based): chr16:46,709,549, C>A on the plus strand (G>T on the coding strand, the complement: MYLK3 is on the minus strand). VCF-style: chr16-46709549-C-A. GRCh37 (hg19) VCF-style: chr16-46743461-C-A.
Other names: c.1367G>T, p.Arg456Ile (NM_001308301.1); short protein forms R456I, R797I.
Identifiers: ClinVar variation 4718200 (VCV004718200.1).